The following is an entry in ClinVar:

ClinVar aggregate classification (germline): Likely benign (0 of 4 stars; one submission).

Conditions:
SORL1-related disorder. Also called: SORL1-related condition.

gnomAD v4.1: 35 of 1,609,618 alleles (0.0022%); highest among the groups gnomAD compares: Non-Finnish European, 0.0028%; no homozygotes.

Submission:

PreventionGenetics, part of Exact Sciences
Classification: Likely benign for SORL1-related condition. Last evaluated: 2019-02-28. Review status: no assertion criteria provided. Collection method: clinical testing. Allele origin: germline.
Comment: This variant is classified as likely benign based on ACMG/AMP sequence variant interpretation guidelines (Richards et al. 2015 PMID: 25741868, with internal and published modifications).

NM_003105.6(SORL1):c.2440-10C>T

Gene: SORL1 (sortilin related receptor 1; plus strand). Cytogenetic location: 11q24.1.
Variant type: single nucleotide variant.
Coding change: c.2440-10C>T on transcript NM_003105.6 (MANE Select); 10 bases into the intron before coding-DNA position 2440, C replaced by T.
Molecular consequence: intron variant.
Genome position (GRCh38, 1-based): chr11:121,555,177, C>T. VCF-style: chr11-121555177-C-T. GRCh37 (hg19) VCF-style: chr11-121425886-C-T.
Identifiers: ClinVar variation 3058421 (VCV003058421.2), dbSNP rs765294595, ClinGen allele CA6328952.